The following is an entry in ClinVar:

ClinVar aggregate classification (germline): Uncertain significance (1 of 4 stars; one submission).

Allele frequency attached by ClinVar (database versions not stated): gnomAD exomes below 0.00001.
gnomAD v4.1: 2 of 1,610,986 alleles (0.00012%); highest among the groups gnomAD compares: South Asian, 0.0022%; no homozygotes.

Submission:

GeneDx
Classification: Uncertain significance. Last evaluated: 2024-10-11. Review status: criteria provided, single submitter. Criteria: GeneDx Variant Classification Process June 2021. Collection method: clinical testing. Allele origin: germline. Affected: yes.
Comment: Has not been previously published as pathogenic or benign to our knowledge; Not observed at significant frequency in large population cohorts (gnomAD); In silico analysis indicates that this missense variant does not alter protein structure/function

NM_003119.4(SPG7):c.1613C>G (p.Thr538Ser)

Gene: SPG7 (SPG7 matrix AAA peptidase subunit, paraplegin; plus strand). Cytogenetic location: 16q24.3.
Variant type: single nucleotide variant.
Coding change: c.1613C>G on transcript NM_003119.4 (MANE Select); coding-DNA position 1613, C replaced by G.
Protein change: p.Thr538Ser; replaces threonine 538 with serine.
Molecular consequence: missense variant.
Genome position (GRCh38, 1-based): chr16:89,548,063, C>G. VCF-style: chr16-89548063-C-G. GRCh37 (hg19) VCF-style: chr16-89614471-C-G.
Other names: c.1613C>G, p.Thr538Ser (NM_001363850.1); short protein forms T538S.
Identifiers: ClinVar variation 1310257 (VCV001310257.3), dbSNP rs1160298693, ClinGen allele CA397427871.